The following is an entry in ClinVar:

ClinVar aggregate classification (germline): Uncertain significance. Review status: criteria provided, multiple submitters, no conflicts (2 of 4 stars). 2 submissions from 2 submitters: Uncertain significance (2). Last evaluated 2025-07-09.

Conditions:
Long QT syndrome (LQTS). Identifiers: MedGen C0023976, MeSH D008133, MONDO:0002442. Disease mechanism: loss of function. Inheritance: Various modes of inheritance.
Cardiovascular phenotype. Identifiers: MedGen CN230736.

Allele frequency attached by ClinVar (database versions not stated): ExAC 0.00001; gnomAD 0.00001 and 0.00002; gnomAD exomes 0.00002 and 0.00006; TOPMed 0.00002.
gnomAD v4.1: 94 of 1,614,014 alleles (0.0058%); highest among the groups gnomAD compares: Non-Finnish European, 0.0079%; no homozygotes.

Submissions (2):

Ambry Genetics
Classification: Uncertain significance for Cardiovascular phenotype. Last evaluated: 2025-07-09. Review status: criteria provided, single submitter. Criteria: Ambry Variant Classification Scheme 2023. Collection method: clinical testing. Allele origin: germline.
Comment: The p.Q3265E variant (also known as c.9793C>G), located in coding exon 41 of the AKAP9 gene, results from a C to G substitution at nucleotide position 9793. The glutamine at codon 3265 is replaced by glutamic acid, an amino acid with highly similar properties. This amino acid position is well conserved in available vertebrate species; however, glutamic acid is the reference amino acid in other vertebrate species. In addition, this alteration is predicted to be tolerated by in silico analysis. Since supporting evidence is limited at this time, the clinical significance of this alteration remains unclear.

Labcorp Genetics (formerly Invitae), Labcorp
Classification: Uncertain significance for Long QT syndrome. Last evaluated: 2025-01-23. Review status: criteria provided, single submitter. Criteria: Invitae Variant Classification Sherloc (09022015). Collection method: clinical testing. Allele origin: germline.
Comment: This sequence change replaces glutamine, which is neutral and polar, with glutamic acid, which is acidic and polar, at codon 3265 of the AKAP9 protein (p.Gln3265Glu). This variant is present in population databases (rs758717247, gnomAD 0.005%). This variant has not been reported in the literature in individuals affected with AKAP9-related conditions. ClinVar contains an entry for this variant (Variation ID: 663572). An algorithm developed to predict the effect of missense changes on protein structure and function outputs the following: PolyPhen-2: "Benign". The glutamic acid amino acid residue is found in multiple mammalian species, which suggests that this missense change does not adversely affect protein function. In summary, the available evidence is currently insufficient to determine the role of this variant in disease. Therefore, it has been classified as a Variant of Uncertain Significance.

NM_005751.5(AKAP9):c.9793C>G (p.Gln3265Glu)

Gene: AKAP9 (A-kinase anchoring protein 9; plus strand). Cytogenetic location: 7q21.2.
Variant type: single nucleotide variant.
Coding change: c.9793C>G on transcript NM_005751.5 (MANE Select); coding-DNA position 9793, C replaced by G.
Protein change: p.Gln3265Glu; replaces glutamine 3265 with glutamic acid.
Molecular consequence: missense variant.
Genome position (GRCh38, 1-based): chr7:92,096,752, C>G. VCF-style: chr7-92096752-C-G. GRCh37 (hg19) VCF-style: chr7-91726066-C-G.
Other names: c.4438C>G, p.Gln1480Glu (NM_001379277.1); c.9769C>G, p.Gln3257Glu (NM_147185.3); short protein forms Q3265E, Q3257E, Q1480E.
Identifiers: ClinVar variation 663572 (VCV000663572.8), dbSNP rs758717247, ClinGen allele CA4337849.